The following is an entry in ClinVar:

ClinVar aggregate classification (germline): Uncertain significance (1 of 4 stars; one submission).

Conditions:
Sulfite oxidase deficiency due to molybdenum cofactor deficiency type A. Also called: Molybdenum cofactor deficiency, complementation group A; Molybdenum Cofactor Deficiency A. Identifiers: Orphanet 308386, Orphanet 833, MedGen C1854988, MONDO:0009643, OMIM 252150.

Allele frequency attached by ClinVar (database versions not stated): gnomAD exomes below 0.00001; TOPMed below 0.00001; ExAC 0.00001; gnomAD 0.00001.
gnomAD v4.1: 5 of 1,605,266 alleles (0.00031%); highest among the groups gnomAD compares: Admixed American, 0.005%; no homozygotes.

Submission:

Labcorp Genetics (formerly Invitae), Labcorp
Classification: Uncertain significance for Sulfite oxidase deficiency due to molybdenum cofactor deficiency type A. Last evaluated: 2022-01-13. Review status: criteria provided, single submitter. Criteria: Invitae Variant Classification Sherloc (09022015). Collection method: clinical testing. Allele origin: germline.
Comment: This sequence change replaces glutamic acid, which is acidic and polar, with glycine, which is neutral and non-polar, at codon 618 of the MOCS1 protein (p.Glu618Gly). This variant is present in population databases (rs767373781, gnomAD 0.006%). This variant has not been reported in the literature in individuals affected with MOCS1-related conditions. Algorithms developed to predict the effect of missense changes on protein structure and function output the following: SIFT: "Not Available"; PolyPhen-2: "Benign"; Align-GVGD: "Not Available". The glycine amino acid residue is found in multiple mammalian species, which suggests that this missense change does not adversely affect protein function. In summary, the available evidence is currently insufficient to determine the role of this variant in disease. Therefore, it has been classified as a Variant of Uncertain Significance.

NM_001358530.2(MOCS1):c.1853A>G (p.Glu618Gly)

Gene: MOCS1 (molybdenum cofactor synthesis 1; minus strand). Cytogenetic location: 6p21.2.
Variant type: single nucleotide variant.
Coding change: c.1853A>G on transcript NM_001358530.2 (MANE Select); coding-DNA position 1853, A replaced by G.
Protein change: p.Glu618Gly; replaces glutamic acid 618 with glycine.
Molecular consequence: missense variant. On other transcripts: 3 prime UTR variant (4), non-coding transcript variant (1).
Genome position (GRCh38, 1-based): chr6:39,906,415, T>C on the plus strand (A>G on the coding strand, the complement: MOCS1 is on the minus strand). VCF-style: chr6-39906415-T-C. GRCh37 (hg19) VCF-style: chr6-39874191-T-C.
Other names: c.*710A>G (NM_001075098.4, NM_001358533.2, NM_001358534.2 and 1 more transcripts); c.1805A>G, p.Glu602Gly (NM_001358529.2); c.1592A>G, p.Glu531Gly (NM_001358531.2); short protein forms E602G, E531G, E618G.
Identifiers: ClinVar variation 1972918 (VCV001972918.2), dbSNP rs767373781, ClinGen allele CA3795876.